The following is an entry in ClinVar:

NM_005101.4(ISG15):c.275G>A (p.Arg92His)

Gene: ISG15 (ISG15 ubiquitin like modifier; plus strand). Cytogenetic location: 1p36.33.
Variant type: single nucleotide variant.
Coding change: c.275G>A on transcript NM_005101.4 (MANE Select); coding-DNA position 275, G replaced by A.
Protein change: p.Arg92His; replaces arginine 92 with histidine.
Molecular consequence: missense variant.
Genome position (GRCh38, 1-based): chr1:1,014,255, G>A. VCF-style: chr1-1014255-G-A. GRCh37 (hg19) VCF-style: chr1-949635-G-A.
Other names: c.275G>A, p.Arg92His (LRG_1231t1); short protein forms R92H.
Identifiers: ClinVar variation 571208 (VCV000571208.7), dbSNP rs368865539, ClinGen allele CA507660.
Genomic context (GRCh38, chr1:1,014,255, plus strand): 5'-TGCTGGTGGTGGACAAATGCGACGAACCTCTGAGCATCCTGGTGAGGAATAACAAGGGCC[G>A]CAGCAGCACCTACGAGGTACGGCTGACGCAGACCGTGGCCCACCTGAAGCAGCAAGTGAG-3'
Protein context (NP_005092.1, residues 82-102): LSILVRNNKG[Arg92His]SSTYEVRLTQ

ClinVar aggregate classification (germline): Uncertain significance. Review status: criteria provided, multiple submitters, no conflicts (2 of 4 stars). 4 submissions from 4 submitters: Uncertain significance (4). Last evaluated 2024-08-26.

Conditions:
Mendelian susceptibility to mycobacterial diseases due to complete ISG15 deficiency. Also called: Immunodeficiency 38; IMMUNODEFICIENCY 38, MYCOBACTERIOSIS, AUTOSOMAL RECESSIVE; ISG15 DEFICIENCY, AUTOSOMAL RECESSIVE; Immunodeficiency 38 with basal ganglia calcification. Identifiers: Orphanet 319563, MedGen C4015293, MONDO:0014502, OMIM 616126.

Allele frequency attached by ClinVar (database versions not stated): gnomAD exomes 0.00002 and 0.00004; ExAC 0.00003; gnomAD 0.00006 and 0.00007; ESP Exome Variant Server 0.00008; TOPMed 0.00016; 1000 Genomes Project 30x 0.00031.

Submissions (4):

Ambry Genetics
Classification: Uncertain significance. Last evaluated: 2024-08-26. Review status: criteria provided, single submitter. Criteria: Ambry Variant Classification Scheme 2023. Collection method: clinical testing. Allele origin: germline.

Labcorp Genetics (formerly Invitae), Labcorp
Classification: Uncertain significance for Mendelian susceptibility to mycobacterial diseases due to complete ISG15 deficiency. Last evaluated: 2022-08-22. Review status: criteria provided, single submitter. Criteria: Invitae Variant Classification Sherloc (09022015). Collection method: clinical testing. Allele origin: germline.
Comment: This sequence change replaces arginine, which is basic and polar, with histidine, which is basic and polar, at codon 92 of the ISG15 protein (p.Arg92His). This variant is present in population databases (rs368865539, gnomAD 0.03%). This variant has not been reported in the literature in individuals affected with ISG15-related conditions. ClinVar contains an entry for this variant (Variation ID: 571208). Algorithms developed to predict the effect of missense changes on protein structure and function output the following: SIFT: "Deleterious"; PolyPhen-2: "Benign"; Align-GVGD: "Class C0". The histidine amino acid residue is found in multiple mammalian species, which suggests that this missense change does not adversely affect protein function. In summary, the available evidence is currently insufficient to determine the role of this variant in disease. Therefore, it has been classified as a Variant of Uncertain Significance.

Baylor Genetics
Classification: Uncertain significance for Mendelian susceptibility to mycobacterial diseases due to complete ISG15 deficiency. Last evaluated: 2018-10-23. Review status: criteria provided, single submitter. Criteria: ACMG Guidelines, 2015. Collection method: clinical testing. Allele origin: paternal. Affected: yes.
Comment: This variant was determined to be of uncertain significance according to ACMG Guidelines, 2015 [PMID:25741868].

Breakthrough Genomics
Classification: Uncertain significance. Review status: criteria provided, single submitter. Criteria: ACMG Guidelines, 2015. Collection method: not provided. Allele origin: germline. Inheritance: Autosomal recessive inheritance. Affected: yes.